The following is an entry in ClinVar:

NM_001029883.3(PCARE):c.323G>C (p.Ser108Thr)

Gene: PCARE (photoreceptor cilium actin regulator; minus strand). Cytogenetic location: 2p23.2.
Variant type: single nucleotide variant.
Coding change: c.323G>C on transcript NM_001029883.3 (MANE Select); coding-DNA position 323, G replaced by C.
Protein change: p.Ser108Thr; replaces serine 108 with threonine.
Molecular consequence: missense variant.
Genome position (GRCh38, 1-based): chr2:29,073,939, C>G on the plus strand (G>C on the coding strand, the complement: PCARE is on the minus strand). VCF-style: chr2-29073939-C-G. GRCh37 (hg19) VCF-style: chr2-29296805-C-G.
Other names: short protein forms S108T.
Identifiers: ClinVar variation 2165211 (VCV002165211.5), dbSNP rs1424967876, ClinGen allele CA346482559.

ClinVar aggregate classification (germline): Uncertain significance. Review status: criteria provided, multiple submitters, no conflicts (2 of 4 stars). 2 submissions from 2 submitters: Uncertain significance (2). Last evaluated 2024-01-30.

Allele frequency attached by ClinVar (database versions not stated): TOPMed below 0.00001; gnomAD 0.00001.

Submissions (2):

Blueprint Genetics
Classification: Uncertain significance. Last evaluated: 2024-01-30. Review status: criteria provided, single submitter. Criteria: ACMG Guidelines, 2015. Collection method: clinical testing. Allele origin: germline.

Labcorp Genetics (formerly Invitae), Labcorp
Classification: Uncertain significance. Last evaluated: 2021-12-09. Review status: criteria provided, single submitter. Criteria: Invitae Variant Classification Sherloc (09022015). Collection method: clinical testing. Allele origin: germline.
Comment: In summary, the available evidence is currently insufficient to determine the role of this variant in disease. Therefore, it has been classified as a Variant of Uncertain Significance. Algorithms developed to predict the effect of missense changes on protein structure and function are either unavailable or do not agree on the potential impact of this missense change (SIFT: "Tolerated"; PolyPhen-2: "Possibly Damaging"; Align-GVGD: "Class C0"). This variant has not been reported in the literature in individuals affected with PCARE-related conditions. This variant is not present in population databases (gnomAD no frequency). This sequence change replaces serine, which is neutral and polar, with threonine, which is neutral and polar, at codon 108 of the PCARE protein (p.Ser108Thr).